The following is an entry in ClinVar:

NM_001197104.2(KMT2A):c.10507G>C (p.Ala3503Pro)

Gene: KMT2A (lysine methyltransferase 2A; plus strand). Cytogenetic location: 11q23.3.
Variant type: single nucleotide variant.
Coding change: c.10507G>C on transcript NM_001197104.2 (MANE Select); coding-DNA position 10507, G replaced by C.
Protein change: p.Ala3503Pro; replaces alanine 3503 with proline.
Molecular consequence: missense variant.
Genome position (GRCh38, 1-based): chr11:118,506,399, G>C. VCF-style: chr11-118506399-G-C. GRCh37 (hg19) VCF-style: chr11-118377114-G-C.
Other names: c.10597G>C, p.Ala3533Pro (NM_001412597.1); c.10498G>C, p.Ala3500Pro (NM_005933.4); short protein forms A3503P, A3533P, A3500P.
Identifiers: ClinVar variation 3011405 (VCV003011405.3), dbSNP rs868961397, ClinGen allele CA382826003.

ClinVar aggregate classification (germline): Uncertain significance (1 of 4 stars; one submission).

Allele frequency attached by ClinVar (database versions not stated): gnomAD exomes below 0.00001.
gnomAD v4.1: 8 of 1,614,146 alleles (0.0005%); highest among the groups gnomAD compares: Middle Eastern, 0.082%; no homozygotes.

Submission:

Labcorp Genetics (formerly Invitae), Labcorp
Classification: Uncertain significance. Last evaluated: 2023-01-22. Review status: criteria provided, single submitter. Criteria: Invitae Variant Classification Sherloc (09022015). Collection method: clinical testing. Allele origin: germline.
Comment: In summary, the available evidence is currently insufficient to determine the role of this variant in disease. Therefore, it has been classified as a Variant of Uncertain Significance. Advanced modeling of protein sequence and biophysical properties (such as structural, functional, and spatial information, amino acid conservation, physicochemical variation, residue mobility, and thermodynamic stability) performed at Invitae indicates that this missense variant is not expected to disrupt KMT2A protein function. This variant has not been reported in the literature in individuals affected with KMT2A-related conditions. This variant is present in population databases (no rsID available, gnomAD 0.0009%). This sequence change replaces alanine, which is neutral and non-polar, with proline, which is neutral and non-polar, at codon 3503 of the KMT2A protein (p.Ala3503Pro).